The following is an entry in ClinVar:

ClinVar aggregate classification (germline): Pathogenic (1 of 4 stars; one submission).

Conditions:
Mendelian susceptibility to mycobacterial diseases due to complete IL12RB1 deficiency. Also called: IL12RB1 DEFICIENCY; Immunodeficiency 30. Identifiers: Orphanet 319552, MedGen C4013949, MONDO:0013955, OMIM 614891.

Submission:

Labcorp Genetics (formerly Invitae), Labcorp
Classification: Pathogenic for Mendelian susceptibility to mycobacterial diseases due to complete IL12RB1 deficiency. Last evaluated: 2017-09-15. Review status: criteria provided, single submitter. Criteria: Invitae Variant Classification Sherloc (09022015). Collection method: clinical testing. Allele origin: germline.
Comment: For these reasons, this variant has been classified as Pathogenic. Loss-of-function variants in IL12RB1 are known to be pathogenic (PMID: 9603733, 12591909). This variant has not been reported in the literature in individuals with IL12RB1-related disease. This variant is not present in population databases (ExAC no frequency). This sequence change creates a premature translational stop signal (p.Gly84Alafs*45) in the IL12RB1 gene. It is expected to result in an absent or disrupted protein product.

Literature cited by the submitters: PubMed 9603733; PubMed 12591909.

NM_005535.3(IL12RB1):c.251_254del (p.Gly84fs)

Gene: IL12RB1 (interleukin 12 receptor subunit beta 1; minus strand). Cytogenetic location: 19p13.11.
Variant type: Deletion.
Coding change: c.251_254del on transcript NM_005535.3 (MANE Select); coding-DNA positions 251 to 254, 4 bases deleted (GGCG; older notation c.251_254delGGCG).
Protein change: p.Gly84fs; shifts the reading frame from glycine 84.
Molecular consequence: frameshift variant.
Genome position (GRCh38, 1-based): chr19:18,080,987-18,080,990, CGCC deleted on the plus strand (GGCG on the coding strand, the reverse complement: IL12RB1 is on the minus strand); deleting any 4 consecutive bases within chr19:18,080,987-18,080,992 gives the same sequence; the c. name uses the placement nearest the transcript's 3' end. VCF-style (leftmost placement, unchanged base first): chr19-18080986-GCGCC-G. GRCh37 (hg19) VCF-style: chr19-18191796-GCGCC-G.
Other names: c.251_254del, p.Gly84fs (NM_001290023.2, NM_153701.3); c.369_372delCGGG, p.Gly124Alafs (NM_001290024.2); short protein forms G124fs, G84fs.
Identifiers: ClinVar variation 580899 (VCV000580899.6), dbSNP rs1568515222, ClinGen allele CA891843883.